The following is an entry in ClinVar:

ClinVar aggregate classification (germline): Pathogenic/Likely pathogenic. Review status: criteria provided, multiple submitters, no conflicts (2 of 4 stars). 9 submissions from 8 submitters: Pathogenic (8); Likely pathogenic (1). Last evaluated 2026-01-14.

Conditions:
Cardiovascular phenotype. Identifiers: MedGen CN230736.
Left ventricular noncompaction 10 (LVNC10). Identifiers: Orphanet 154, Orphanet 54260, MedGen C3715165, MONDO:0014163, OMIM 615396.
Hypertrophic cardiomyopathy 4. Also called: Familial hypertrophic cardiomyopathy 4. Identifiers: MedGen C1861862, MONDO:0007268, OMIM 115197.
Cardiomyopathy (CMYO). Also called: Cardiomyopathies. Identifiers: Orphanet 167848, MedGen C0878544, MONDO:0004994, HP:0001638. Inheritance: Various modes of inheritance.
Hypertrophic cardiomyopathy. Also called: HYPERTROPHIC MYOCARDIOPATHY. Identifiers: Orphanet 217569, MedGen C0007194, MeSH D002312, MONDO:0005045, HP:0001639.

Allele frequency attached by ClinVar (database versions not stated): ExAC 0.00002.
gnomAD v4.1: 2 of 1,610,604 alleles (0.00012%); highest among the groups gnomAD compares: African/African-American, 0.0027%; no homozygotes.

Submissions (9):

Labcorp Genetics (formerly Invitae), Labcorp
Classification: Pathogenic for Hypertrophic cardiomyopathy. Last evaluated: 2026-01-14. Review status: criteria provided, single submitter. Criteria: Invitae Variant Classification Sherloc (09022015). Collection method: clinical testing. Allele origin: germline.
Comment: This sequence change creates a premature translational stop signal (p.Cys1124*) in the MYBPC3 gene. It is expected to result in an absent or disrupted protein product. Loss-of-function variants in MYBPC3 are known to be pathogenic (PMID: 19574547). The frequency data for this variant in the population databases is considered unreliable, as metrics indicate poor data quality at this position in the gnomAD database. This variant has not been reported in the literature in individuals affected with MYBPC3-related conditions. ClinVar contains an entry for this variant (Variation ID: 177701). For these reasons, this variant has been classified as Pathogenic.

GeneDx
Classification: Pathogenic. Last evaluated: 2025-10-22. Review status: criteria provided, single submitter. Criteria: GeneDx Variant Classification Process June 2021. Collection method: clinical testing. Allele origin: germline. Affected: yes.
Comment: Nonsense variant predicted to result in protein truncation or nonsense mediated decay in a gene for which loss of function is a known mechanism of disease; Not observed at significant frequency in large population cohorts (gnomAD); This variant is associated with the following publications: (PMID: 25525159, 21415409, 15519027, 21959974, 30550750, 39020067)

Foundation for Research in Genetics and Endocrinology, FRIGE's Institute of Human Genetics
Classification: Likely pathogenic for Left ventricular noncompaction 10. Last evaluated: 2025-09-17. Review status: criteria provided, single submitter. Criteria: ACMG Guidelines, 2015. Collection method: clinical testing. Allele origin: germline. Inheritance: Autosomal dominant inheritance. Affected: yes. Observed: 1 variant allele, 1 heterozygote.
Comment: The identified heterozygous nonsense substitution (p.Cys1124Ter) lies in exon 31 of the MYBPC3 gene and is predicted to cause premature termination of the protein. The truncated protein is predicted to have a length of 1123 amino acids (aa) as opposed to the original length of 1274 aa. The identified variant has been reported in the Genome Aggregation Database (gnomAD), as a rare variant (allele frequency: < 0.001%, 2 heterozygotes). In summary, the variant meets our criteria to be classified as likely pathogenic.

Ambry Genetics
Classification: Pathogenic for Cardiovascular phenotype. Last evaluated: 2025-08-22. Review status: criteria provided, single submitter. Criteria: Ambry Variant Classification Scheme 2023. Collection method: clinical testing. Allele origin: germline.
Comment: The p.C1124* pathogenic mutation (also known as c.3372C>A), located in coding exon 31 of the MYBPC3 gene, results from a C to A substitution at nucleotide position 3372. This changes the amino acid from a cysteine to a stop codon within coding exon 31. This variant was reported in individual(s) with features consistent with hypertrophic cardiomyopathy (Van Driest SL et al. J. Am. Coll. Cardiol., 2004 Nov;44:1903-10; Bashyam MD et al. Mol Cell Biochem, 2012 Jan;360:373-82; Ko C et al. Genet Med, 2018 01;20:69-75; O'Leary TS et al. J Mol Cell Cardiol, 2019 02;127:165-173). This alteration is expected to result in loss of function by premature protein truncation or nonsense-mediated mRNA decay. As such, this alteration is interpreted as a disease-causing mutation.

Baylor Genetics
Classification: Pathogenic for Hypertrophic cardiomyopathy 4. Last evaluated: 2023-03-14. Review status: criteria provided, single submitter. Criteria: ACMG Guidelines, 2015. Collection method: clinical testing. Allele origin: unknown.

Baylor Genetics
Classification: Pathogenic for Left ventricular noncompaction 10. Last evaluated: 2023-03-14. Review status: criteria provided, single submitter. Criteria: ACMG Guidelines, 2015. Collection method: clinical testing. Allele origin: unknown.

Laboratory for Molecular Medicine, Mass General Brigham Personalized Medicine
Classification: Pathogenic for Hypertrophic cardiomyopathy. Last evaluated: 2022-06-23. Review status: criteria provided, single submitter. Criteria: ACMG Guidelines, 2015. Collection method: clinical testing. Allele origin: germline. Inheritance: Autosomal dominant inheritance.
Comment: The p.Cys1124X variant in MYBPC3 has been reported in 1 individual with HCM (Van Driest 2004 PMID: 15519027). This variant was absent from large population studies. This nonsense variant leads to a premature termination codon at position 1124, which is predicted to lead to a truncated or absent protein. Heterozygous loss of function of the MYBPC3 gene is an established disease mechanism in individuals with HCM. In summary, this variant meets our criteria to be classified as pathogenic for autosomal dominant hypertrophic cardiomyopathy based on the predicted impact of the variant. ACMG/AMP criteria applied: PVS1, PM2_P.

CHEO Genetics Diagnostic Laboratory, Children's Hospital of Eastern Ontario
Classification: Pathogenic for Cardiomyopathy. Last evaluated: 2021-12-14. Review status: criteria provided, single submitter. Criteria: ACMG Guidelines, 2015. Collection method: clinical testing. Allele origin: germline. Study: Canadian Open Genetics Repository.

Lifecell International Pvt. Ltd
Classification: Pathogenic for Hypertrophic cardiomyopathy 4. Review status: criteria provided, single submitter. Criteria: ACMG Guidelines, 2015. Collection method: clinical testing. Allele origin: germline. Inheritance: Autosomal recessive inheritance. Affected: yes. Observed: 1 compound heterozygote.
Comment: A Heterozygous Nonsense variant c.3372C>A in Exon 31 of the MYBPC3 gene that results in the amino acid substitution p.Cys1124* was identified. The observed variant is novel in gnomAD exomes and genomes. The severity of the impact of this variant on the protein is high, based on the effect of the protein and REVEL score. Rare Exome Variant Ensemble Learner (REVEL) is an ensembl method for predicting the pathogenicity of missense variants based on a combination of scores from 13 individual tools: MutPred, FATHMM v2.3, VEST 3.0, PolyPhen-2, SIFT, PROVEAN, MutationAssessor, MutationTaster, LRT, GERP++, SiPhy, phyloP, and phastCons. The REVEL score for an individual missense variant can range from 0 to 1, with higher scores reflecting greater likelihood that the variant is disease-causing. ClinVar has also classified this variant as Pathogenic [Variation ID: 177701]. The observed variant has bene previously reported in patients affected with familial hypertrophic cardiomyopathy (Bashyam, Murali D et al., 2012). For these reasons, this variant has been classified as Pathogenic.

Literature cited by the submitters: PubMed 19574547 (cited by Labcorp Genetics (formerly Invitae), Labcorp); PubMed 15519027 (cited by Ambry Genetics and Laboratory for Molecular Medicine, Mass General Brigham Personalized Medicine); PubMed 21959974 (cited by Ambry Genetics and Lifecell International Pvt. Ltd); PubMed 28640247 (cited by Ambry Genetics); PubMed 30550750 (cited by Ambry Genetics).

NM_000256.3(MYBPC3):c.3372C>A (p.Cys1124Ter)

Gene: MYBPC3 (myosin binding protein C3; minus strand). Cytogenetic location: 11p11.2.
Variant type: single nucleotide variant.
Coding change: c.3372C>A on transcript NM_000256.3 (MANE Select); coding-DNA position 3372, C replaced by A.
Protein change: p.Cys1124Ter; replaces cysteine 1124 with a stop codon.
Molecular consequence: nonsense.
Genome position (GRCh38, 1-based): chr11:47,332,932, G>T on the plus strand (C>A on the coding strand, the complement: MYBPC3 is on the minus strand). VCF-style: chr11-47332932-G-T. GRCh37 (hg19) VCF-style: chr11-47354483-G-T.
Other names: p.Cys1124Ter; short protein forms C1124*.
Identifiers: ClinVar variation 177701 (VCV000177701.27), dbSNP rs727504289, ClinGen allele CA014029.